The following is an entry in ClinVar:

ClinVar aggregate classification (germline): Uncertain significance (1 of 4 stars; one submission).

Submission:

Labcorp Genetics (formerly Invitae), Labcorp
Classification: Uncertain significance. Last evaluated: 2022-08-23. Review status: criteria provided, single submitter. Criteria: Invitae Variant Classification Sherloc (09022015). Collection method: clinical testing. Allele origin: germline.
Comment: In summary, the available evidence is currently insufficient to determine the role of this variant in disease. Therefore, it has been classified as a Variant of Uncertain Significance. Experimental studies and prediction algorithms are not available or were not evaluated, and the functional significance of this variant is currently unknown. This variant has not been reported in the literature in individuals affected with CBX2-related conditions. Information on the frequency of this variant in the gnomAD database is not available, as this variant may be reported differently in the database. This sequence change replaces alanine, which is neutral and non-polar, with serine, which is neutral and polar, at codon 415 of the CBX2 protein (p.Ala415Ser).

NM_005189.3(CBX2):c.1242_1243delinsCT (p.Ala415Ser)

Gene: CBX2 (chromobox 2; plus strand). Cytogenetic location: 17q25.3.
Variant type: Indel.
Coding change: c.1242_1243delinsCT on transcript NM_005189.3 (MANE Select); coding-DNA positions 1242 to 1243, GG replaced by CT.
Protein change: p.Ala415Ser; replaces alanine 415 with serine.
Molecular consequence: missense variant.
Genome position (GRCh38, 1-based): chr17:79,784,685-79,784,686, GG replaced by CT. VCF-style: chr17-79784685-GG-CT. GRCh37 (hg19) VCF-style: chr17-77758484-GG-CT.
Other names: short protein forms A415S.
Identifiers: ClinVar variation 2026703 (VCV002026703.4), dbSNP rs2515473823, ClinGen allele CA2580095358.